The following is an entry in ClinVar:

ClinVar aggregate classification (germline): Pathogenic (1 of 4 stars; one submission).

Conditions:
Ataxia-telangiectasia syndrome (AT). Also called: ATAXIA-TELANGIECTASIA, FRESNO VARIANT; Ataxia-telangiectasia, complementation group E; Ataxia telangiectasia (A-T); LOUIS-BAR SYNDROME; Ataxia-telangiectasia, complementation group D; AT, COMPLEMENTATION GROUP C. Identifiers: Orphanet 100, MedGen C0004135, MONDO:0008840, OMIM 208900.

Submission:

Labcorp Genetics (formerly Invitae), Labcorp
Classification: Pathogenic for Ataxia-telangiectasia syndrome. Last evaluated: 2019-12-26. Review status: criteria provided, single submitter. Criteria: Invitae Variant Classification Sherloc (09022015). Collection method: clinical testing. Allele origin: germline.
Comment: For these reasons, this variant has been classified as Pathogenic. Loss-of-function variants in ATM are known to be pathogenic (PMID: 23807571, 25614872). This variant has not been reported in the literature in individuals with ATM-related conditions. This variant is not present in population databases (ExAC no frequency). This sequence change creates a premature translational stop signal (p.Met946Ilefs*3) in the ATM gene. It is expected to result in an absent or disrupted protein product.

Literature cited by the submitters: PubMed 23807571; PubMed 25614872.

NM_000051.4(ATM):c.2838+1del

Gene: ATM (ATM serine/threonine kinase; plus strand). Cytogenetic location: 11q22.3.
Variant type: Deletion.
Coding change: c.2838+1del on transcript NM_000051.4 (MANE Select); the canonical splice donor site of the intron after coding-DNA position 2838, one base deleted (G; older notation c.2838+1delG).
Molecular consequence: splice donor variant.
Genome position (GRCh38, 1-based): chr11:108,268,610, G deleted; the last of 2 consecutive G bases (chr11:108,268,609-108,268,610); deleting either gives the same sequence. VCF-style (leftmost placement, unchanged base first): chr11-108268608-TG-T. GRCh37 (hg19) VCF-style: chr11-108139335-TG-T.
Other names: c.2838+1del (NM_001351834.2).
Identifiers: ClinVar variation 969362 (VCV000969362.9), dbSNP rs2081397580, ClinGen allele CA1139662216.